The following is an entry in ClinVar:

ClinVar aggregate classification (germline): Conflicting classifications of pathogenicity. Review status: criteria provided, conflicting classifications (1 of 4 stars). 3 submissions from 3 submitters: Uncertain significance (1); Benign (1); Likely benign (1). Last evaluated 2026-01-11.

Conditions:
Autosomal recessive severe congenital neutropenia due to JAGN1 deficiency. Also called: Severe congenital neutropenia 6, autosomal recessive. Identifiers: Orphanet 423384, MedGen C4014954, MONDO:0014456, OMIM 616022.

Allele frequency attached by ClinVar (database versions not stated): gnomAD exomes 0.00036 and 0.00096; ExAC 0.00115; gnomAD 0.00375 and 0.00399; TOPMed 0.00420; 1000 Genomes Project 0.00439; ESP Exome Variant Server 0.00446; 1000 Genomes Project 30x 0.00453.
gnomAD v4.1: 1,114 of 1,614,148 alleles (0.069%); highest among the groups gnomAD compares: African/African-American, 1.3%; 5 homozygotes.

Submissions (3):

Labcorp Genetics (formerly Invitae), Labcorp
Classification: Benign for Autosomal recessive severe congenital neutropenia due to JAGN1 deficiency. Last evaluated: 2026-01-11. Review status: criteria provided, single submitter. Criteria: Invitae Variant Classification Sherloc (09022015). Collection method: clinical testing. Allele origin: germline.

Mayo Clinic Laboratories, Mayo Clinic
Classification: Likely benign. Last evaluated: 2024-12-30. Review status: criteria provided, single submitter. Criteria: ACMG Guidelines, 2015. Collection method: clinical testing. Allele origin: germline. Observed: 4 variant alleles.
Comment: BS1, BP4, BP7

Blueprint Genetics
Classification: Uncertain significance. Last evaluated: 2024-11-25. Review status: criteria provided, single submitter. Criteria: ACMG Guidelines, 2015. Collection method: clinical testing. Allele origin: germline.

NM_032492.4(JAGN1):c.498C>T (p.Ser166=)

Gene: JAGN1 (jagunal vesicle mediated transporter 1; plus strand). Cytogenetic location: 3p25.3.
Variant type: single nucleotide variant.
Coding change: c.498C>T on transcript NM_032492.4 (MANE Select); coding-DNA position 498, C replaced by T.
Protein change: p.Ser166=; no amino-acid change (serine 166 retained).
Molecular consequence: synonymous variant.
Genome position (GRCh38, 1-based): chr3:9,893,323, C>T. VCF-style: chr3-9893323-C-T. GRCh37 (hg19) VCF-style: chr3-9935007-C-T.
Other names: p.Ser166=; c.498C>T, p.Ser166= (LRG_1228t1); c.336C>T, p.Ser112= (NM_001363890.1).
Identifiers: ClinVar variation 542037 (VCV000542037.13), dbSNP rs61738795, ClinGen allele CA2245905.
Genomic context (GRCh38, chr3:9,893,323, plus strand): 5'-CATCATGTACCTGGTGTTGGTGTTGGCAGTGCAAGTGCATGCCTGGCAGTTGTACTACAG[C>T]AAGAAGCTCCTAGACTCTTGGTTCACCAGCACACAGGAGAAGAAGCATAAATGAAGCCTC-3'
Protein context (NP_115881.3, residues 156-176): VQVHAWQLYY[Ser166=]KKLLDSWFTS